The following is an entry in ClinVar:

ClinVar aggregate classification (germline): Uncertain significance (1 of 4 stars; one submission).

Allele frequency attached by ClinVar (database versions not stated): gnomAD exomes below 0.00001; TOPMed below 0.00001.
gnomAD v4.1: 1 of 1,613,456 alleles (0.000062%); highest among the groups gnomAD compares: South Asian, 0.0011%; no homozygotes.

Submission:

GeneDx
Classification: Uncertain significance. Last evaluated: 2022-05-24. Review status: criteria provided, single submitter. Criteria: GeneDx Variant Classification Process June 2021. Collection method: clinical testing. Allele origin: germline. Affected: yes.
Comment: Not observed at significant frequency in large population cohorts (gnomAD); In silico analysis supports that this missense variant does not alter protein structure/function; Has not been previously published as pathogenic or benign to our knowledge

NM_182931.3(KMT2E):c.2837T>C (p.Met946Thr)

Gene: KMT2E (lysine methyltransferase 2E (inactive); plus strand). Cytogenetic location: 7q22.3.
Variant type: single nucleotide variant.
Coding change: c.2837T>C on transcript NM_182931.3 (MANE Select); coding-DNA position 2837, T replaced by C.
Protein change: p.Met946Thr; replaces methionine 946 with threonine.
Molecular consequence: missense variant.
Genome position (GRCh38, 1-based): chr7:105,106,762, T>C. VCF-style: chr7-105106762-T-C. GRCh37 (hg19) VCF-style: chr7-104747209-T-C.
Other names: c.2837T>C, p.Met946Thr (NM_001410908.1, NM_018682.4); short protein forms M946T.
Identifiers: ClinVar variation 1800948 (VCV001800948.1), dbSNP rs775109176, ClinGen allele CA368787708.